The following is an entry in ClinVar:

NM_000090.4(COL3A1):c.1657C>T (p.Pro553Ser)

Gene: COL3A1 (collagen type III alpha 1 chain; plus strand). Cytogenetic location: 2q32.2.
Variant type: single nucleotide variant.
Coding change: c.1657C>T on transcript NM_000090.4 (MANE Select); coding-DNA position 1657, C replaced by T.
Protein change: p.Pro553Ser; replaces proline 553 with serine.
Molecular consequence: missense variant.
Genome position (GRCh38, 1-based): chr2:188,996,173, C>T. VCF-style: chr2-188996173-C-T. GRCh37 (hg19) VCF-style: chr2-189860899-C-T.
Other names: short protein forms P553S.
Identifiers: ClinVar variation 519616 (VCV000519616.11), dbSNP rs752163277, ClinGen allele CA074515.

ClinVar aggregate classification (germline): Uncertain significance. Review status: criteria provided, multiple submitters, no conflicts (2 of 4 stars). 4 submissions from 4 submitters: Uncertain significance (4). Last evaluated 2025-08-04.

Conditions:
Familial thoracic aortic aneurysm and aortic dissection (TAAD). Also called: Thoracic aortic aneurysms and dissections. Identifiers: Orphanet 91387, MedGen C4707243, MONDO:0019625.
Ehlers-Danlos syndrome, type 4 (EDSVASC). Also called: Ehlers-Danlos syndrome vascular type; Ehlers Danlos syndrome, ecchymotic type; Ehlers Danlos syndrome, arterial type; Ehlers Danlos syndrome, Sack-Barabas type; Ehlers-Danlos Syndrome Type IV. Identifiers: Orphanet 286, MedGen C0268338, MONDO:0017314, OMIM 130050.

Allele frequency attached by ClinVar (database versions not stated): gnomAD exomes below 0.00001; ExAC 0.00001; gnomAD 0.00001; TOPMed 0.00001.
gnomAD v4.1: 6 of 1,613,036 alleles (0.00037%); highest among the groups gnomAD compares: Admixed American, 0.0017%; no homozygotes.

Submissions (4):

Color Diagnostics, LLC DBA Color Health
Classification: Uncertain significance for Familial thoracic aortic aneurysm and aortic dissection. Last evaluated: 2025-08-04. Review status: criteria provided, single submitter. Criteria: ACMG Guidelines, 2015. Collection method: clinical testing. Allele origin: germline.
Comment: This missense variant replaces proline with serine at codon 553 of the COL3A1 protein. Computational prediction is inconclusive regarding the impact of this variant on protein structure and function. To our knowledge, functional studies have not been reported for this variant. This variant has not been reported in individuals affected with COL3A1-related disorders in the literature. This variant has been identified in 1/251280 chromosomes in the general population by the Genome Aggregation Database (gnomAD). The available evidence is insufficient to determine the role of this variant in disease conclusively. Therefore, this variant is classified as a Variant of Uncertain Significance.

GeneDx
Classification: Uncertain significance. Last evaluated: 2025-01-07. Review status: criteria provided, single submitter. Criteria: GeneDx Variant Classification Process June 2021. Collection method: clinical testing. Allele origin: germline. Affected: yes.
Comment: Not observed at significant frequency in large population cohorts (gnomAD); In silico analysis supports that this missense variant has a deleterious effect on protein structure/function; Has not been previously published as pathogenic or benign to our knowledge; Occurs in the triple helical domain at the X position in the canonical Gly-X-Y repeat; although this variant may have an effect on normal protein folding and function, missense substitution at the X position is not a common mechanism of disease (HGMD)

All of Us Research Program, National Institutes of Health
Classification: Uncertain significance for Ehlers-Danlos syndrome, type 4. Last evaluated: 2023-09-05. Review status: criteria provided, single submitter. Criteria: ACMG Guidelines, 2015. Collection method: clinical testing. Allele origin: germline. Inheritance: Autosomal dominant inheritance. Observed: 1 variant allele, 1 heterozygote.
Comment: This missense variant replaces proline with serine at codon 553 of the COL3A1 protein. Computational prediction tools and conservation analyses suggest that this variant may have deleterious impact on the protein function. Computational splicing tools suggest that this variant may not impact RNA splicing. To our knowledge, functional assays have not been performed for this variant nor has this variant been reported in individuals affected with cardiovascular disorders in the literature. This variant has been identified in 1/251280 chromosomes in the general population by the Genome Aggregation Database (gnomAD). Available evidence is insufficient to determine the role of this variant in disease conclusively. Therefore, this variant is classified as a Variant of Uncertain Significance.

This study involves interpretation of variants in research participants for the purpose of population health screening. Participant phenotype was not available at the time of variant classification. Additional details can be found in publication PMID: 35346344, PMCID: PMC8962531

Ambry Genetics
Classification: Uncertain significance for Familial thoracic aortic aneurysm and aortic dissection. Last evaluated: 2017-07-14. Review status: criteria provided, single submitter. Criteria: Ambry Variant Classification Scheme 2023. Collection method: clinical testing. Allele origin: germline.
Comment: The p.P553S variant (also known as c.1657C>T), located in coding exon 23 of the COL3A1 gene, results from a C to T substitution at nucleotide position 1657. The proline at codon 553 is replaced by serine, an amino acid with similar properties. This amino acid position is highly conserved in available vertebrate species. In addition, the in silico prediction for this alteration is inconclusive. Since supporting evidence is limited at this time, the clinical significance of this alteration remains unclear.